The following is an entry in ClinVar:

NC_000002.11:g.(?_179442353)_(179446814_?)del

Gene: TTN (titin; minus strand). Cytogenetic location: 2q31.2.
Variant type: Deletion.
Identifiers: ClinVar variation 3247307 (VCV003247307.1).

ClinVar aggregate classification (germline): Likely pathogenic (1 of 4 stars; one submission).

Conditions:
Autosomal recessive limb-girdle muscular dystrophy type 2J (LGMDR10). Also called: Limb-girdle muscular dystrophy, type 2J; MUSCULAR DYSTROPHY, LIMB-GIRDLE, AUTOSOMAL RECESSIVE 10. Identifiers: Orphanet 140922, MedGen C1837342, MONDO:0012127, OMIM 608807.
Dilated cardiomyopathy 1G (CMD1G). Identifiers: Orphanet 154, MedGen C1858763, MONDO:0011400, OMIM 604145.

Submission:

Labcorp Genetics (formerly Invitae), Labcorp
Classification: Likely pathogenic for Dilated cardiomyopathy 1G; Autosomal recessive limb-girdle muscular dystrophy type 2J. Last evaluated: 2023-11-27. Review status: criteria provided, single submitter. Criteria: Invitae Variant Classification Sherloc (09022015). Collection method: clinical testing. Allele origin: unknown.
Comment: This variant results in the deletion of exons 316-322 and part of exons 315 and 323 (c.66282_68800del) of the TTN gene. It is expected to disrupt RNA splicing and likely results in a truncated or disrupted TTN protein. This variant has not been reported in the literature in individuals affected with TTN-related conditions. This variant is located in the A band of TTN (PMID: 25589632). Truncating variants in this region are significantly overrepresented in patients affected with dilated cardiomyopathy (PMID: 25589632). Truncating variants in this region have also been reported in individuals affected with autosomal recessive centronuclear myopathy (PMID: 23975875). In summary, the currently available evidence indicates that the variant is pathogenic, but additional data are needed to prove that conclusively. Therefore, this variant has been classified as Likely Pathogenic.

Literature cited by the submitters: PubMed 25589632; PubMed 23975875.